The following is an entry in ClinVar:

ClinVar aggregate classification (germline): Benign/Likely benign. Review status: criteria provided, multiple submitters, no conflicts (2 of 4 stars). 2 submissions from 2 submitters: Benign (1); Likely benign (1). Last evaluated 2024-06-17.

Conditions:
Ataxia-telangiectasia syndrome (AT). Also called: ATAXIA-TELANGIECTASIA, COMPLEMENTATION GROUP A; ATAXIA-TELANGIECTASIA, FRESNO VARIANT; Ataxia-telangiectasia; Ataxia-telangiectasia, complementation group E; LOUIS-BAR SYNDROME; Cerebello-oculocutaneous telangiectasia. Identifiers: Orphanet 100, MedGen C0004135, MONDO:0008840, OMIM 208900.
Familial cancer of breast. Also called: BREAST CANCER, FAMILIAL; hereditary breast carcinoma; Hereditary breast cancer. Identifiers: Orphanet 227535, MedGen C0346153, MONDO:0016419, OMIM 114480. Disease mechanism: loss of function.

Submissions (2):

Myriad Genetics, Inc.
Classification: Benign for Familial cancer of breast. Last evaluated: 2024-06-17. Review status: criteria provided, single submitter. Criteria: Myriad Autosomal Dominant, Autosomal Recessive and X-Linked Classification Criteria (2023). Collection method: clinical testing. Allele origin: unknown.
Comment: This variant is considered benign. This variant is a silent/synonymous amino acid change and it is not expected to impact splicing.

Labcorp Genetics (formerly Invitae), Labcorp
Classification: Likely benign for Ataxia-telangiectasia syndrome. Last evaluated: 2022-01-11. Review status: criteria provided, single submitter. Criteria: Invitae Variant Classification Sherloc (09022015). Collection method: clinical testing. Allele origin: germline.

NM_000051.4(ATM):c.7744A>C (p.Arg2582=)

Genes: ATM (ATM serine/threonine kinase; plus strand), C11orf65 (chromosome 11 open reading frame 65; minus strand). Cytogenetic location: 11q22.3.
Variant type: single nucleotide variant.
Coding change: c.7744A>C on transcript NM_000051.4 (MANE Select); coding-DNA position 7744, A replaced by C.
Protein change: p.Arg2582=; no amino-acid change (arginine 2582 retained).
Molecular consequence: synonymous variant. On other transcripts: intron variant (2).
Genome position (GRCh38, 1-based): chr11:108,331,993, A>C. VCF-style: chr11-108331993-A-C. GRCh37 (hg19) VCF-style: chr11-108202720-A-C.
Other names: c.7744A>C, p.Arg2582= (NM_001351834.2); c.641-22922T>G (NM_001330368.2); c.*38+3227T>G (NM_001351110.2).
Identifiers: ClinVar variation 2078563 (VCV002078563.5), dbSNP rs750224234, ClinGen allele CA476677254.